The following is an entry in ClinVar:

NM_000038.6(APC):c.8247_8248delinsTA (p.Glu2750Lys)

Gene: APC (APC regulator of Wnt signaling pathway; plus strand). Cytogenetic location: 5q22.2.
Variant type: Indel.
Coding change: c.8247_8248delinsTA on transcript NM_000038.6 (MANE Select); coding-DNA positions 8247 to 8248, AG replaced by TA.
Protein change: p.Glu2750Lys; replaces glutamic acid 2750 with lysine.
Molecular consequence: missense variant.
Genome position (GRCh38, 1-based): chr5:112,843,841-112,843,842, AG replaced by TA. VCF-style: chr5-112843841-AG-TA. GRCh37 (hg19) VCF-style: chr5-112179538-AG-TA.
Other names: c.8247_8248delinsTA, p.Glu2750Lys (NM_001127510.3, NM_001354895.2); c.8193_8194delinsTA, p.Glu2732Lys (NM_001127511.3); c.8301_8302delinsTA, p.Glu2768Lys (NM_001354896.2); c.8277_8278delinsTA, p.Glu2760Lys (NM_001354897.2); c.8172_8173delinsTA, p.Glu2725Lys (NM_001354898.2); c.8163_8164delinsTA, p.Glu2722Lys (NM_001354899.2); c.8124_8125delinsTA, p.Glu2709Lys (NM_001354900.2); c.8070_8071delinsTA, p.Glu2691Lys (NM_001354901.2); and 5 more; short protein forms E2590K, E2624K, E2649K, E2691K, E2768K, E2467K, E2732K, E2750K.
Identifiers: ClinVar variation 185492 (VCV000185492.22), dbSNP rs786202216, ClinGen allele CA014471.
Genomic context (GRCh38, chr5:112,843,841, plus strand): 5'-TGCCCCTGACCAAAAAGGAACTGAGATAAAACCAGGACAAAATAATCCTGTCCCTGTATC[AG>TA]AGACTAATGAAAGTTCTATAGTGGAACGTACCCCATTCAGTTCTAGCAGCTCAAGCAAAC-3'
Protein context (NP_000029.2, residues 2740-2760): PGQNNPVPVS[Glu2750Lys]TNESSIVERT

ClinVar aggregate classification (germline): Uncertain significance. Review status: criteria provided, multiple submitters, no conflicts (2 of 4 stars). 4 submissions from 4 submitters: Uncertain significance (4). Last evaluated 2025-11-23.

Conditions:
Hereditary cancer-predisposing syndrome. Also called: Hereditary neoplastic syndrome; Neoplastic Syndromes, Hereditary; Tumor predisposition; Hereditary Cancer Syndrome. Identifiers: Orphanet 140162, MedGen C0027672, MeSH D009386, MONDO:0015356.
Familial adenomatous polyposis 1 (FAP1). Also called: FAMILIAL ADENOMATOUS POLYPOSIS 1, ATTENUATED; POLYPOSIS, ADENOMATOUS INTESTINAL. Identifiers: MedGen C2713442, MONDO:0021056, OMIM 175100. Disease mechanism: loss of function.

Submissions (4):

Labcorp Genetics (formerly Invitae), Labcorp
Classification: Uncertain significance for Familial adenomatous polyposis 1. Last evaluated: 2025-11-23. Review status: criteria provided, single submitter. Criteria: Invitae Variant Classification Sherloc (09022015). Collection method: clinical testing. Allele origin: germline.
Comment: This sequence change replaces glutamic acid, which is acidic and polar, with lysine, which is basic and polar, at codon 2750 of the APC protein (p.Glu2750Lys). Information on the frequency of this variant in the gnomAD database is not available, as this variant may be reported differently in the database. This variant has not been reported in the literature in individuals affected with APC-related conditions. ClinVar contains an entry for this variant (Variation ID: 185492). Experimental studies and prediction algorithms are not available or were not evaluated, and the functional significance of this variant is currently unknown. RNA analysis performed to evaluate the impact of this missense change on mRNA splicing indicates it does not significantly alter splicing (internal data). In summary, the available evidence is currently insufficient to determine the role of this variant in disease. Therefore, it has been classified as a Variant of Uncertain Significance.

Ambry Genetics
Classification: Uncertain significance for Hereditary cancer-predisposing syndrome. Last evaluated: 2024-08-28. Review status: criteria provided, single submitter. Criteria: Ambry Variant Classification Scheme 2023. Collection method: clinical testing. Allele origin: germline.
Comment: The c.8247_8248delAGinsTA variant (also known as p.E2750K), located in coding exon 15 of the APC gene, results from an in-frame deletion of AG and insertion of TA at nucleotide positions 8247 to 8248. This results in the substitution of the glutamic acid residue for a lysine residue at codon 2750, an amino acid with similar properties. This amino acid position is highly conserved in available vertebrate species. In addition, this alteration is predicted to be neutral by in silico analysis (Choi Y et al. PLoS ONE. 2012; 7(10):e46688). Based on the available evidence, the clinical significance of this variant remains unclear.

Genetic Services Laboratory, University of Chicago
Classification: Uncertain significance. Last evaluated: 2024-08-09. Review status: criteria provided, single submitter. Criteria: ACMG Guidelines, 2015. Collection method: clinical testing. Allele origin: germline. Affected: no.
Comment: DNA sequence analysis of the APC gene demonstrated a deletion and insertion of two base pairs in exon 16, c.8247_8248delinsTA. This in-frame deletion/insertion is predicted to result in a missense change, p.Glu2750Lys. This sequence change does not appear to have been previously described in individuals with APC-related disorders and has also not been described in population databases such as ExAC and gnomAD. The p.Glu2750Lys change affects a poorly conserved amino acid residue located in a domain of the APC protein that is known to be functional. In-silico pathogenicity prediction tools (SIFT, PolyPhen2, Align GVGD) provide contradictory results for the p.Glu2750Lys substitution. Due to insufficient evidences and the lack of functional studies, the clinical significance of the p.Glu2750Lys change remains unknown at this time.

Color Diagnostics, LLC DBA Color Health
Classification: Uncertain significance for Hereditary cancer-predisposing syndrome. Last evaluated: 2019-05-30. Review status: criteria provided, single submitter. Criteria: ACMG Guidelines, 2015. Collection method: clinical testing. Allele origin: germline.